The following is an entry in ClinVar:

NM_022124.6(CDH23):c.7379T>G (p.Leu2460Arg)

Gene: CDH23 (cadherin related 23; plus strand). Cytogenetic location: 10q22.1.
Variant type: single nucleotide variant.
Coding change: c.7379T>G on transcript NM_022124.6 (MANE Select); coding-DNA position 7379, T replaced by G.
Protein change: p.Leu2460Arg; replaces leucine 2460 with arginine.
Molecular consequence: missense variant.
Genome position (GRCh38, 1-based): chr10:71,800,652, T>G. VCF-style: chr10-71800652-T-G. GRCh37 (hg19) VCF-style: chr10-73560409-T-G.
Other names: c.659T>G, p.Leu220Arg (NM_001171933.1, NM_001171934.1); short protein forms L2460R, L220R.
Identifiers: ClinVar variation 452850 (VCV000452850.2), dbSNP rs1554875886, ClinGen allele CA377159839.

ClinVar aggregate classification (germline): Uncertain significance (1 of 4 stars; one submission).

Submission:

GeneDx
Classification: Uncertain significance. Last evaluated: 2017-10-25. Review status: criteria provided, single submitter. Criteria: GeneDx Variant Classification (06012015). Collection method: clinical testing. Allele origin: germline. Affected: yes.
Comment: The L2460R variant in the CDH23 gene has not been reported previously as a pathogenic variant, nor as a benign variant, to our knowledge. The L2460R variant is not observed in large population cohorts (Lek et al., 2016). The L2460R variant is a non-conservative amino acid substitution, which is likely to impact secondary protein structure as these residues differ in polarity, charge, size and/or other properties. This substitution occurs at a position that is conserved across species. In silico analysis is inconsistent in its predictions as to whether or not the variant is damaging to the protein structure/function. We interpret L2460R as a variant of uncertain significance.